The following is an entry in ClinVar:

NM_001184.4(ATR):c.2729A>G (p.Glu910Gly)

Gene: ATR (ATR serine/threonine kinase; minus strand). Cytogenetic location: 3q23.
Variant type: single nucleotide variant.
Coding change: c.2729A>G on transcript NM_001184.4 (MANE Select); coding-DNA position 2729, A replaced by G.
Protein change: p.Glu910Gly; replaces glutamic acid 910 with glycine.
Molecular consequence: missense variant.
Genome position (GRCh38, 1-based): chr3:142,553,303, T>C on the plus strand (A>G on the coding strand, the complement: ATR is on the minus strand). VCF-style: chr3-142553303-T-C. GRCh37 (hg19) VCF-style: chr3-142272145-T-C.
Other names: c.2537A>G, p.Glu846Gly (NM_001354579.2); short protein forms E846G, E910G.
Identifiers: ClinVar variation 3463396 (VCV003463396.1).
Genomic context (GRCh38, chr3:142,553,303, plus strand): 5'-TTATACTGGCTGAAAAAACTTTGCAGTTTAACACTTTTAGCTGCAACCAGAGCTCTAATT[T>C]CTGTGTATGCTGCTCCAGAGACAGATGCTGACTTGGATAACAAACAATGCAATAAGTGTA-3'
Protein context (NP_001175.2, residues 900-920): SASVSGAAYT[Glu910Gly]IRALVAAKSV

ClinVar aggregate classification (germline): Uncertain significance (1 of 4 stars; one submission).

Conditions:
Inborn genetic diseases. Identifiers: MedGen C0950123, MeSH D030342.

Submission:

Ambry Genetics
Classification: Uncertain significance for Inborn genetic diseases. Last evaluated: 2024-11-11. Review status: criteria provided, single submitter. Criteria: Ambry Variant Classification Scheme 2023. Collection method: clinical testing. Allele origin: germline.
Comment: The p.E910G variant (also known as c.2729A>G), located in coding exon 13 of the ATR gene, results from an A to G substitution at nucleotide position 2729. The glutamic acid at codon 910 is replaced by glycine, an amino acid with similar properties. This amino acid position is conserved. In addition, this alteration is predicted to be deleterious by in silico analysis. Based on the available evidence, the clinical significance of this variant remains unclear.